The following is an entry in ClinVar:

ClinVar aggregate classification (germline): Uncertain significance (1 of 4 stars; one submission).

Conditions:
Hereditary cancer-predisposing syndrome. Also called: Hereditary Cancer Syndrome; Hereditary neoplastic syndrome; Neoplastic Syndromes, Hereditary; Tumor predisposition. Identifiers: Orphanet 140162, MedGen C0027672, MeSH D009386, MONDO:0015356.

gnomAD v4.1: 1 of 1,614,156 alleles (0.000062%); highest among the groups gnomAD compares: Non-Finnish European, 0.000085%; no homozygotes.

Submission:

Ambry Genetics
Classification: Uncertain significance for Hereditary cancer-predisposing syndrome. Last evaluated: 2025-04-28. Review status: criteria provided, single submitter. Criteria: Ambry Variant Classification Scheme 2023. Collection method: clinical testing. Allele origin: germline.
Comment: The p.T114I variant (also known as c.341C>T), located in coding exon 3 of the NF2 gene, results from a C to T substitution at nucleotide position 341. The threonine at codon 114 is replaced by isoleucine, an amino acid with similar properties. This amino acid position is conserved. In addition, this alteration is predicted to be deleterious by in silico analysis. Based on the available evidence, the clinical significance of this variant remains unclear.

NM_000268.4(NF2):c.341C>T (p.Thr114Ile)

Gene: NF2 (NF2, moesin-ezrin-radixin like (MERLIN) tumor suppressor; plus strand). Cytogenetic location: 22q12.2.
Variant type: single nucleotide variant.
Coding change: c.341C>T on transcript NM_000268.4 (MANE Select); coding-DNA position 341, C replaced by T.
Protein change: p.Thr114Ile; replaces threonine 114 with isoleucine.
Molecular consequence: missense variant. On other transcripts: 5 prime UTR variant (1), intron variant (8).
Genome position (GRCh38, 1-based): chr22:29,639,190, C>T. VCF-style: chr22-29639190-C-T. GRCh37 (hg19) VCF-style: chr22-30035179-C-T.
Other names: c.227C>T, p.Thr76Ile (NM_001407053.1, NM_001407056.1); c.215C>T, p.Thr72Ile (NM_001407055.1, NM_181828.3); c.341C>T, p.Thr114Ile (NM_001407057.1, NM_001407059.1, NM_001407060.1 and 5 more transcripts); c.-300C>T (NM_001407065.1); c.110C>T, p.Thr37Ile (NM_001407067.1); c.240+2314C>T (NM_001407058.1, NM_181829.3, NM_001407054.1 and 1 more transcripts); c.115-3012C>T (NM_001407063.1, NM_181830.3, NM_001407064.1 and 1 more transcripts); short protein forms T114I, T37I, T72I, T76I.
Identifiers: ClinVar variation 3919148 (VCV003919148.1).